The following is an entry in ClinVar:

ClinVar aggregate classification (germline): Likely pathogenic. Review status: criteria provided, multiple submitters, no conflicts (2 of 4 stars). 6 submissions from 6 submitters: Likely pathogenic (6). Last evaluated 2025-02-18.

Conditions:
TTN-related disorder. Also called: TTN-related disorders; TTN-related condition; TTN-related disease.
Cardiovascular phenotype. Identifiers: MedGen CN230736.
Dilated cardiomyopathy 1G (CMD1G). Identifiers: Orphanet 154, MedGen C1858763, MONDO:0011400, OMIM 604145.
Autosomal recessive limb-girdle muscular dystrophy type 2J (LGMDR10). Also called: Limb-girdle muscular dystrophy, type 2J; MUSCULAR DYSTROPHY, LIMB-GIRDLE, AUTOSOMAL RECESSIVE 10. Identifiers: Orphanet 140922, MedGen C1837342, MONDO:0012127, OMIM 608807.
Tibial muscular dystrophy (TMD). Also called: Tibial muscular dystrophy, tardive; Udd Distal Myopathy – Tibial Muscular Dystrophy; UDD MYOPATHY. Identifiers: Orphanet 609, MedGen C1838244, MONDO:0010870, OMIM 600334.
Myopathy, myofibrillar, 9, with early respiratory failure (MFM9). Also called: EDSTROM MYOPATHY; Hereditary myopathy with early respiratory failure; Myopathy, distal, with early respiratory failure, autosomal dominant; MYOPATHY, PROXIMAL, WITH EARLY RESPIRATORY MUSCLE INVOLVEMENT. Identifiers: Orphanet 178464, Orphanet 34521, MedGen C1863599, MONDO:0011362, OMIM 603689.
Hypertrophic cardiomyopathy 9. Also called: Familial hypertrophic cardiomyopathy 9. Identifiers: MedGen C1861065, MONDO:0013412, OMIM 613765.
Early-onset myopathy with fatal cardiomyopathy (CMYO5). Also called: Salih Myopathy; CONGENITAL MYOPATHY 5 WITH CARDIOMYOPATHY. Identifiers: Orphanet 289377, MedGen C2673677, MONDO:0012714, OMIM 611705. Disease mechanism: loss of function.
Primary dilated cardiomyopathy (DCM). Also called: Dilated Cardiomyopathy. Identifiers: Orphanet 217604, MedGen C0007193, MeSH D002311, MONDO:0005021, HP:0001644. Inheritance: Various modes of inheritance.

Submissions (6):

Labcorp Genetics (formerly Invitae), Labcorp
Classification: Likely pathogenic for Dilated cardiomyopathy 1G; Autosomal recessive limb-girdle muscular dystrophy type 2J. Last evaluated: 2025-02-18. Review status: criteria provided, single submitter. Criteria: Invitae Variant Classification Sherloc (09022015). Collection method: clinical testing. Allele origin: germline.
Comment: This sequence change creates a premature translational stop signal (p.Val35064Phefs*4) in the TTN gene. While this is not anticipated to result in nonsense mediated decay, it is expected to create a truncated TTN protein. This variant is not present in population databases (gnomAD no frequency). This variant has not been reported in the literature in individuals affected with TTN-related conditions. ClinVar contains an entry for this variant (Variation ID: 504393). This variant is located in the M band of TTN (PMID: 25589632). Truncating variants in this region have been previously reported in individuals affected with autosomal dominant or autosomal recessive myopathy and muscular dystrophy (PMID: 18948003, 23975875, 24395473). Truncating variants in this region have also been identified in individuals affected with autosomal dominant dilated cardiomyopathy and/or cardio-related conditions (PMID: 27869827, 32964742, internal data). In summary, the currently available evidence indicates that the variant is pathogenic, but additional data are needed to prove that conclusively. Therefore, this variant has been classified as Likely Pathogenic.

Fulgent Genetics
Classification: Likely pathogenic for Tibial muscular dystrophy; Myopathy, myofibrillar, 9, with early respiratory failure; Dilated cardiomyopathy 1G; Autosomal recessive limb-girdle muscular dystrophy type 2J; Early-onset myopathy with fatal cardiomyopathy; Hypertrophic cardiomyopathy 9. Last evaluated: 2021-11-22. Review status: criteria provided, single submitter. Criteria: ACMG Guidelines, 2015. Collection method: clinical testing. Allele origin: unknown.

Ambry Genetics
Classification: Likely pathogenic for Cardiovascular phenotype. Last evaluated: 2021-06-04. Review status: criteria provided, single submitter. Criteria: Ambry Variant Classification Scheme 2023. Collection method: clinical testing. Allele origin: germline.
Comment: The c.77995_77996delGT variant, located in coding exon 185 of the TTN gene, results from a deletion of two nucleotides at nucleotide positions 77995 to 77996, causing a translational frameshift with a predicted alternate stop codon (p.V25999Ffs*4). This exon is located in the M-band region of the N2-B isoform of the titin protein and is constitutively expressed in TTN transcripts (percent spliced in or PSI 100%). This alteration is expected to result in loss of function by premature protein truncation or nonsense-mediated mRNA decay. While truncating variants in TTN are present in 1-3% of the general population, truncating variants in the M-band have been reported in association with autosomal recessive titinopathies, primarily presenting with skeletal myopathy phenotypes (Ceyhan-Birsoy O et al. Neurology. 2013 Oct 1;81(14):1205-14; De Cid R et al. Neurology. 2015;85(24):2126-35). In addition, regardless of their position, TTN truncating variants encoded in constitutive exons (PSI >90%) have been found to be significantly associated with dilated cardiomyopathy (DCM), though truncating variants in the A-band are the most common cause of DCM (Herman DS et al. N. Engl. J. Med., 2012 Feb;366:619-28; Roberts AM et al. Sci Transl Med, 2015 Jan;7:270ra6; Schafer S et al. Nat. Genet., 2017 01;49:46-53). This variant is considered to be rare based on population cohorts in the Genome Aggregation Database (gnomAD). Based on the majority of available evidence to date, this variant is likely to be pathogenic in association with autosomal recessive titinopathy; however, the clinical significance of this alteration with respect to cardiomyopathy remains unclear.

Blueprint Genetics
Classification: Likely pathogenic for TTN-related disorders. Last evaluated: 2019-08-14. Review status: criteria provided, single submitter. Criteria: ACMG Guidelines, 2015. Collection method: clinical testing. Allele origin: germline. Affected: yes. Observed: 1 variant allele.

Laboratory for Molecular Medicine, Mass General Brigham Personalized Medicine
Classification: Likely pathogenic for Primary dilated cardiomyopathy. Last evaluated: 2019-01-25. Review status: criteria provided, single submitter. Criteria: ACMG Guidelines, 2015. Collection method: clinical testing. Allele origin: germline.
Comment: The p.Val32496PhefsX4 variant in TTN has not been reported in individuals with TTN-associated diseases, such as dilated cardiomyopathy and neuromuscular conditions, and was absent from large population studies. It has been reported by a clinical laboratory in ClinVar (Variation ID #504393). This variant is predicted to cause a frameshift, which alters the protein’s amino acid sequence beginning at position 32496 and leads to a premature termination codon 4 amino acids downstream. This alteration is then predicted to lead to a truncated or absent protein. TTN truncating variants located in exons that are highly expressed in the heart are strongly associated with autosomal dominant DCM, particularly if they are located in the A-band (Herman 2012, Pugh 2014). In addition, TTN variants have also been associated with myopathies and other neuromuscular conditions, which usually have autosomal recessive inheritance (Savarese 2016). The p.Val32496PhefsX4 variant is located in a highly expressed exon in the M-band. In summary, although additional studies are required to fully establish its clinical significance, this variant meets criteria to be classified as likely pathogenic for TTN-associated diseases. ACMG/AMP Criteria applied: PVS1, PM2.

GeneDx
Classification: Likely pathogenic. Last evaluated: 2018-02-21. Review status: criteria provided, single submitter. Criteria: GeneDx Variant Classification (06012015). Collection method: clinical testing. Allele origin: germline. Affected: yes.
Comment: The c.100267_100268delGT likely pathogenic variant in the TTN gene has not been reported previously as a pathogenic variant or as a benign variant, to our knowledge. This variant has not been observed in large population cohorts (Lek et al., 2016). The c.100267_100268delGT variant causes a shift in reading frame starting at codon valine 33423, changing it to a phenylalanine, and creating a premature stop codon at position 4 of the new reading frame, denoted p.Val33423PhefsX4. This variant is expected to result in either an abnormal, truncated protein product or loss of protein from this allele through nonsense-mediated mRNA decay. Other frameshift variants in the TTN gene have been reported in Human Gene Mutation Database in association with DCM (Stenson et al., 2014). However, c.100267_100268delGT is not located in the A-band region of titin, where the majority of truncating pathogenic variants associated with DCM have been reported (Herman et al., 2012). Other truncating variants in the M-band of titin, where this variant occurs, have been reported in association with an autosomal recessive early-onset myopathy with cardiomyopathy (Carmignac et al., 2007), and heterozygous parents were reportedly healthy. Furthermore, other nonsense and frameshift TTN variants have been reported in approximately 3% of control alleles (Herman et al., 2012).

Literature cited by the submitters: PubMed 25589632 (cited by Labcorp Genetics (formerly Invitae), Labcorp); PubMed 18948003 (cited by Labcorp Genetics (formerly Invitae), Labcorp); PubMed 23975875 (cited by Labcorp Genetics (formerly Invitae), Labcorp); PubMed 24395473 (cited by Labcorp Genetics (formerly Invitae), Labcorp); PubMed 27869827 (cited by Labcorp Genetics (formerly Invitae), Labcorp); PubMed 32964742 (cited by Labcorp Genetics (formerly Invitae), Labcorp).

NM_001267550.2(TTN):c.105190_105191del (p.Val35064fs)

Genes: TTN (titin; minus strand), TTN-AS1 (TTN antisense RNA 1; plus strand). Cytogenetic location: 2q31.2.
Variant type: Deletion.
Coding change: c.105190_105191del on transcript NM_001267550.2 (MANE Select); coding-DNA positions 105190 to 105191, 2 bases deleted (GT; older notation c.105190_105191delGT).
Protein change: p.Val35064fs; shifts the reading frame from valine 35064.
Molecular consequence: frameshift variant.
Genome position (GRCh38, 1-based): chr2:178,531,424-178,531,425, AC deleted on the plus strand (GT on the coding strand, the reverse complement: TTN is on the minus strand); deleting any 2 consecutive bases within chr2:178,531,424-178,531,426 gives the same sequence; the c. name uses the placement nearest the transcript's 3' end. VCF-style (leftmost placement, unchanged base first): chr2-178531423-AAC-A. GRCh37 (hg19) VCF-style: chr2-179396150-AAC-A.
Other names: c.100267_100268delGT (NM_001256850.1); c.100267_100268del, p.Val33423fs (NM_001256850.1); c.77995_77996del, p.Val25999fs (NM_003319.4); c.97486_97487del, p.Val32496fs (NM_133378.4); c.78370_78371del, p.Val26124fs (NM_133432.3); c.78571_78572del, p.Val26191fs (NM_133437.4); c.77995_77996delGT (NM_003319.4); short protein forms V26191fs, V35064fs, V32496fs, V33423fs, V25999fs, V26124fs.
Identifiers: ClinVar variation 504393 (VCV000504393.10), dbSNP rs770878165, ClinGen allele CA60954084.